The following is an entry in ClinVar:

ClinVar aggregate classification (germline): Uncertain significance. Review status: criteria provided, multiple submitters, no conflicts (2 of 4 stars). 4 submissions from 4 submitters: Uncertain significance (4). Last evaluated 2023-04-11.

Conditions:
Inborn genetic diseases. Identifiers: MedGen C0950123, MeSH D030342.
Hereditary spastic paraplegia 47. Also called: CEREBRAL PALSY, SPASTIC QUADRIPLEGIC, 5; Spastic paraplegia 47, autosomal recessive; adaptor protein 4 (AP-4) deficiency syndrome. Identifiers: Orphanet 280763, MedGen C3279738, MONDO:0013551, OMIM 614066.
Hereditary spastic paraplegia. Also called: Familial spastic paraparesis. Identifiers: Orphanet 685, MedGen C0037773, MONDO:0019064. Disease mechanism: loss of function.

Allele frequency attached by ClinVar (database versions not stated): ExAC 0.00003; gnomAD exomes 0.00003; TOPMed 0.00003; gnomAD 0.00004; ESP Exome Variant Server 0.00015.
gnomAD v4.1: 110 of 1,614,062 alleles (0.0068%); highest among the groups gnomAD compares: Non-Finnish European, 0.0089%; no homozygotes.

Submissions (4):

Genome-Nilou Lab
Classification: Uncertain significance for Hereditary spastic paraplegia 47. Last evaluated: 2023-04-11. Review status: criteria provided, single submitter. Criteria: ACMG Guidelines, 2015. Collection method: clinical testing. Allele origin: germline. Affected: no.

Ambry Genetics
Classification: Uncertain significance for Inborn genetic diseases. Last evaluated: 2022-05-13. Review status: criteria provided, single submitter. Criteria: Ambry Variant Classification Scheme 2023. Collection method: clinical testing. Allele origin: germline.

Genome Diagnostics Laboratory, The Hospital for Sick Children
Classification: Uncertain significance for Hereditary spastic paraplegia. Last evaluated: 2019-06-17. Review status: criteria provided, single submitter. Criteria: ACMG Guidelines, 2015. Collection method: clinical testing. Allele origin: germline. Affected: yes.

Labcorp Genetics (formerly Invitae), Labcorp
Classification: Uncertain significance for Hereditary spastic paraplegia 47. Last evaluated: 2019-04-30. Review status: criteria provided, single submitter. Criteria: Invitae Variant Classification Sherloc (09022015). Collection method: clinical testing. Allele origin: germline.
Comment: This sequence change replaces alanine with proline at codon 83 of the AP4B1 protein (p.Ala83Pro). The alanine residue is moderately conserved and there is a small physicochemical difference between alanine and proline. In summary, the available evidence is currently insufficient to determine the role of this variant in disease. Therefore, it has been classified as a Variant of Uncertain Significance. Algorithms developed to predict the effect of missense changes on protein structure and function are either unavailable or do not agree on the potential impact of this missense change (SIFT: "Tolerated"; PolyPhen-2: "Probably Damaging"; Align-GVGD: "Class C0"). This variant has not been reported in the literature in individuals with AP4B1-related conditions. This variant is present in population databases (rs149478319, ExAC 0.006%).

NM_001253852.3(AP4B1):c.247G>C (p.Ala83Pro)

Gene: AP4B1 (adaptor related protein complex 4 subunit beta 1; minus strand). Cytogenetic location: 1p13.2.
Variant type: single nucleotide variant.
Coding change: c.247G>C on transcript NM_001253852.3 (MANE Select); coding-DNA position 247, G replaced by C.
Protein change: p.Ala83Pro; replaces alanine 83 with proline.
Molecular consequence: missense variant. On other transcripts: 5 prime UTR variant (1), intron variant (1).
Genome position (GRCh38, 1-based): chr1:113,902,729, C>G on the plus strand (G>C on the coding strand, the complement: AP4B1 is on the minus strand). VCF-style: chr1-113902729-C-G. GRCh37 (hg19) VCF-style: chr1-114445351-C-G.
Other names: c.-51G>C (NM_001253853.3); c.247G>C, p.Ala83Pro (NM_006594.5); c.113+1876G>C (NM_001308312.2); c.247G>C (NM_006594.2); short protein forms A83P.
Identifiers: ClinVar variation 946401 (VCV000946401.14), dbSNP rs149478319, ClinGen allele CA1016157.
Genomic context (GRCh38, chr1:113,902,729, plus strand): 5'-CTCGCACCATTGGATTGGGGTCTGAGCAGTCTTTGCACAGCGTATTGATGGCCAGGAGAG[C>G]CAGATCTGGTTTCAGGGGAGCATATGTGCACATGTACAGATAAACCAACTTCTTCTGGAC-3'
Protein context (NP_001240781.1, residues 73-93): CTYAPLKPDL[Ala83Pro]LLAINTLCKD